The following is an entry in ClinVar:

NM_000441.2(SLC26A4):c.2219G>T (p.Gly740Val)

Gene: SLC26A4 (solute carrier family 26 member 4; plus strand). Cytogenetic location: 7q22.3.
Variant type: single nucleotide variant.
Coding change: c.2219G>T on transcript NM_000441.2 (MANE Select); coding-DNA position 2219, G replaced by T.
Protein change: p.Gly740Val; replaces glycine 740 with valine.
Molecular consequence: missense variant.
Genome position (GRCh38, 1-based): chr7:107,710,183, G>T. VCF-style: chr7-107710183-G-T. GRCh37 (hg19) VCF-style: chr7-107350628-G-T.
Other names: short protein forms G740V.
Identifiers: ClinVar variation 43545 (VCV000043545.71), dbSNP rs111033310, ClinGen allele CA132711.

ClinVar aggregate classification (germline): Conflicting classifications of pathogenicity. Review status: criteria provided, conflicting classifications (1 of 4 stars). 16 submissions from 14 submitters: Likely pathogenic (5); Uncertain significance (11). Last evaluated 2026-07-08.

Conditions:
Rare genetic deafness. Identifiers: Orphanet 96210, MedGen C5680250.
SLC26A4-related disorder. Also called: SLC26A4-related condition; SLC26A4-related disorders.
Autosomal recessive nonsyndromic hearing loss 4 (DFNB4). Also called: FOXI1-Related Pendred Syndrome; KCNJ10-Related Pendred Syndrome; DEAFNESS, AUTOSOMAL RECESSIVE 4, WITH ENLARGED VESTIBULAR AQUEDUCT, DIGENIC; Deafness, autosomal recessive 4; Nonsyndromic enlarged vestibular aqueduct (NSEVA); NEUROSENSORY NONSYNDROMIC RECESSIVE DEAFNESS 4. Identifiers: Orphanet 90636, MedGen C3538946, MONDO:0010933, OMIM 600791.
Pendred syndrome (PDS). Also called: Pendred's syndrome; DEAFNESS WITH GOITER; GOITER-DEAFNESS SYNDROME; HYPOTHYROIDISM, CONGENITAL, DUE TO DYSHORMONOGENESIS, 2B; THYROID DYSHORMONOGENESIS 2B; THYROID HORMONOGENESIS, GENETIC DEFECT IN, 2B. Identifiers: Orphanet 705, MedGen C0271829, MONDO:0010134, OMIM 274600.
Hearing impairment. Also called: Impaired Hearing. Identifiers: MedGen C1384666, MONDO:0005365, HP:0000365.

Allele frequency attached by ClinVar (database versions not stated): ESP Exome Variant Server 0.00015; TOPMed 0.00025.
gnomAD v4.1: 340 of 1,604,710 alleles (0.021%); highest among the groups gnomAD compares: Middle Eastern, 0.066%; 1 homozygote.

Submissions 1 to 11 of 16:

PreventionGenetics, part of Exact Sciences
Classification: Uncertain significance for SLC26A4-related condition. Last evaluated: 2026-07-08. Review status: criteria provided, single submitter. Criteria: ACMG Guidelines, 2015. Collection method: clinical testing. Allele origin: germline.
Comment: The SLC26A4 c.2219G>T variant is predicted to result in the amino acid substitution p.Gly740Val. This variant has been reported in the heterozygous state along with a pathogenic variant in three individuals from two families with hearing loss and enlarged vestibular aqueduct (EVA), although phase was not clearly established (Albert et al. 2006. PubMed ID: 16570074; Tang et al. 2015. PubMed ID: 25991456). Two additional unrelated individuals with hearing loss with or without EVA and Mondini dysplasia were reported to have this variant in trans to a pathogenic variant but also in cis to a second variant of uncertain significance (Albert et al. 2006. PubMed ID: 16570074; Pera et al. 2008. PubMed ID: 18285825). This variant has been reported without a second potentially causative variant on the other allele in two individuals with hearing loss and/or goiter and EVA; in one of these individuals the variant was in cis with a pathogenic variant while the other individual had a potentially causative variant in the FOXI1 gene (Landa et al. 2013. PubMed ID: 23965030). This variant is reported in 0.096% of alleles in individuals of Ashkenazi Jewish descent in gnomAD, including one homozygote in the larger gnomAD v4.1.0 database. At this time, the clinical significance of this variant is uncertain due to the absence of conclusive functional and genetic evidence.

Natera, Inc.
Classification: Likely pathogenic for Pendred syndrome. Last evaluated: 2025-11-07. Review status: criteria provided, single submitter. Criteria: Natera Variant Classification Schema (03/2026). Collection method: clinical testing. Allele origin: germline.
Comment: The c.2219G>T variant in SLC26A4 is a missense variant predicted to cause substitution of glycine to valine at amino acid 740. This variant is rare in the general population with a frequency below the threshold expected for the associated phenotype(s). This variant has been observed in one or more individuals affected with the associated recessive disease, as either homozygous or compound heterozygous with a second variant (PMID: 37438890, 25991456, 23965030). This variant has been found together with another disease-causing variant in the same copy of the gene (PMID: 16570074). Computational prediction algorithms indicate this variant is likely to affect gene or protein function. Given the available evidence, this variant is classified as Likely Pathogenic.

Dasa
Classification: Uncertain significance. Last evaluated: 2025-10-15. Review status: criteria provided, single submitter. Criteria: DASA Assertion Criteria. Collection method: clinical testing. Allele origin: germline.
Comment: NM_000441.2(SLC26A4):c.2219G>T (p.Gly740Val) is a missense variant that results in the substitution of glycine with valine. This variant has been recurrently observed in individuals with SLC26A4-related disorders (PMID: 36833263; PMID: 30240412; PMID: 25788563; PMID: 18285825). This classification is supported by population frequency inconsistent with a disease-causing role. The currently available literature and clinical evidence are not sufficient to establish a definitive association between this variant and the reported condition. Therefore, this variant is classified as a variant of uncertain significance.

Women's Health and Genetics/Laboratory Corporation of America, LabCorp
Classification: Likely pathogenic for Pendred syndrome. Last evaluated: 2025-10-15. Review status: criteria provided, single submitter. Criteria: LabCorp Variant Classification Summary - May 2015. Collection method: clinical testing. Allele origin: germline.
Comment: Variant summary: c.2219G>T (p.Gly740Val) results in a non-conservative amino acid change in the encoded protein sequence. Algorithms developed to predict the effect of missense changes on protein structure and function all suggest that this variant is likely to be disruptive. The variant allele was found at a frequency of 0.0003 in 251252 control chromosomes (gnomAD). This frequency is not significantly higher than estimated for disease-causing variants in SLC26A4, allowing no conclusion about variant significance. c.2219G>T has been reported in the literature in individuals affected with Hearing loss (Albert_2006, Tang_2015, Baldyga_2023). These data indicate that the variant is likely to be associated with disease. At least one publication reports experimental evidence evaluating an impact on protein function. These results showed no damaging effect of this variant (Bernardinelli_2025). The following publications have been ascertained in the context of this evaluation (PMID: 16570074, 30245029, 36833263, 40121402, 23401162, 23965030, 30240412, 25788563, 18285825, 20597900, 23804846, 25991456, 40501086). ClinVar contains an entry for this variant (Variation ID: 43545). Based on the evidence outlined above, the variant was classified as likely pathogenic.

Labcorp Genetics (formerly Invitae), Labcorp
Classification: Uncertain significance. Last evaluated: 2024-12-03. Review status: criteria provided, single submitter. Criteria: Invitae Variant Classification Sherloc (09022015). Collection method: clinical testing. Allele origin: germline.
Comment: This sequence change replaces glycine, which is neutral and non-polar, with valine, which is neutral and non-polar, at codon 740 of the SLC26A4 protein (p.Gly740Val). This variant is present in population databases (rs111033310, gnomAD 0.1%). This missense change has been observed in individual(s) with clinical features of Pendred syndrome and/or deafness (PMID: 20597900, 23804846, 25788563, 25991456; internal data). In at least one individual the data is consistent with being in trans (on the opposite chromosome) from a pathogenic variant. ClinVar contains an entry for this variant (Variation ID: 43545). Invitae Evidence Modeling of protein sequence and biophysical properties (such as structural, functional, and spatial information, amino acid conservation, physicochemical variation, residue mobility, and thermodynamic stability) has been performed for this missense variant. However, the output from this modeling did not meet the statistical confidence thresholds required to predict the impact of this variant on SLC26A4 protein function. In summary, the available evidence is currently insufficient to determine the role of this variant in disease. Therefore, it has been classified as a Variant of Uncertain Significance.

Blueprint Genetics
Classification: Uncertain significance. Last evaluated: 2024-11-05. Review status: criteria provided, single submitter. Criteria: ACMG Guidelines, 2015. Collection method: clinical testing. Allele origin: germline.

Baylor Genetics
Classification: Likely pathogenic for Autosomal recessive nonsyndromic hearing loss 4. Last evaluated: 2024-03-26. Review status: criteria provided, single submitter. Criteria: ACMG Guidelines, 2015. Collection method: clinical testing. Allele origin: unknown.

GeneDx
Classification: Uncertain significance. Last evaluated: 2024-02-13. Review status: criteria provided, single submitter. Criteria: GeneDx Variant Classification Process June 2021. Collection method: clinical testing. Allele origin: germline. Affected: yes.
Comment: Identified with an SLC26A4 variant of unknown significance in additional patients with hearing loss with or without enlarged vestibular aqueduct in published literature (PMID: 18285825, 16570074, 23965030); In silico analysis supports that this missense variant does not alter protein structure/function; This variant is associated with the following publications: (PMID: 20597900, 30240412, 30245029, 23401162, 34426522, 25991456, 23965030, 16570074, 18285825, 35249537, 36147510, 25788563, 36833263, 23804846)

Department of Pathology and Laboratory Medicine, Sinai Health System
Classification: Likely pathogenic for Autosomal recessive nonsyndromic hearing loss 4; Pendred syndrome. Last evaluated: 2023-09-22. Review status: criteria provided, single submitter. Criteria: ACMG Guidelines, 2015. Collection method: research. Allele origin: germline.

Laboratory for Molecular Medicine, Mass General Brigham Personalized Medicine
Classification: Uncertain significance for Rare genetic deafness. Last evaluated: 2023-02-02. Review status: criteria provided, single submitter. Criteria: ACMG Guidelines, 2015. Collection method: clinical testing. Allele origin: germline.
Comment: Disclaimer: This variant has not undergone full assessment. The following are preliminary notes: Albert 2006 PMID: 16570074 1 proband (HL+EVA) with T307M (VUS) in cis, and Y530H (LP) in trans; 1 sib-pair (HL+EVA) with FS in trans, Landa 2013 PMID 23965030 2 probands with HL +EVA or goiter, 1 carries a splice variant (phase unknown), the second only het Makretskaya (2018) PMID: 30240412 Het in 1 pt with congenital hypothyroidism ACMG/AMP codes: PM3, PM2_Supporting (AJ high- however bottleneck pop).

Genome-Nilou Lab
Classification: Uncertain significance for Autosomal recessive nonsyndromic hearing loss 4. Last evaluated: 2021-09-05. Review status: criteria provided, single submitter. Criteria: ACMG Guidelines, 2015. Collection method: clinical testing. Allele origin: germline. Affected: no.